The following is an entry in ClinVar:

ClinVar aggregate classification (germline): Uncertain significance (1 of 4 stars; one submission).

Conditions:
Hereditary spastic paraplegia 11. Also called: Nakamura Osame syndrome; Autosomal recessive hereditary spastic paraplegia, mental impairment, and thin corpus callosum; Spastic Paraplegia 11; Spastic paraplegia, mental retardation and thin corpus callosum; SPASTIC PARAPLEGIA, AUTOSOMAL RECESSIVE, COMPLICATED, WITH THIN CORPUS CALLOSUM; SPASTIC PARAPLEGIA, AUTOSOMAL RECESSIVE, WITH MENTAL IMPAIRMENT AND THIN CORPUS CALLOSUM. Identifiers: Orphanet 2822, MedGen C1858479, MONDO:0011445, OMIM 604360.

Submission:

Labcorp Genetics (formerly Invitae), Labcorp
Classification: Uncertain significance for Hereditary spastic paraplegia 11. Last evaluated: 2020-08-17. Review status: criteria provided, single submitter. Criteria: Invitae Variant Classification Sherloc (09022015). Collection method: clinical testing. Allele origin: germline.
Comment: Algorithms developed to predict the effect of missense changes on protein structure and function output the following: SIFT: "Tolerated"; PolyPhen-2: "Benign"; Align-GVGD: "Class C0". The alanine amino acid residue is found in multiple mammalian species, suggesting that this missense change does not adversely affect protein function. These predictions have not been confirmed by published functional studies and their clinical significance is uncertain. In summary, the available evidence is currently insufficient to determine the role of this variant in disease. Therefore, it has been classified as a Variant of Uncertain Significance. This variant has not been reported in the literature in individuals with SPG11-related conditions. This variant is not present in population databases (ExAC no frequency). This sequence change replaces threonine with alanine at codon 1828 of the SPG11 protein (p.Thr1828Ala). The threonine residue is moderately conserved and there is a small physicochemical difference between threonine and alanine.

NM_025137.4(SPG11):c.5482A>G (p.Thr1828Ala)

Gene: SPG11 (SPG11 vesicle trafficking associated, spatacsin; minus strand). Cytogenetic location: 15q21.1.
Variant type: single nucleotide variant.
Coding change: c.5482A>G on transcript NM_025137.4 (MANE Select); coding-DNA position 5482, A replaced by G.
Protein change: p.Thr1828Ala; replaces threonine 1828 with alanine.
Molecular consequence: missense variant.
Genome position (GRCh38, 1-based): chr15:44,584,198, T>C on the plus strand (A>G on the coding strand, the complement: SPG11 is on the minus strand). VCF-style: chr15-44584198-T-C. GRCh37 (hg19) VCF-style: chr15-44876396-T-C.
Other names: c.5482A>G, p.Thr1828Ala (NM_001160227.2); short protein forms T1828A.
Identifiers: ClinVar variation 965841 (VCV000965841.9), dbSNP rs2082710576, ClinGen allele CA392222448.
Genomic context (GRCh38, chr15:44,584,198, plus strand): 5'-CAGCCAACTTGGAGAAGGAAAACTCACTGGCTAAACTATCAAAGGAAAGTTCACCACTAG[T>C]TGAGATCTGTCGAGAAAATCTGGGCTCTGTTTCCTCCTGATTTCTTCCAAGAGTGTGCTG-3'
Protein context (NP_079413.3, residues 1818-1838): TEPRFSRQIS[Thr1828Ala]SGELSFDSLA